The following is an entry in ClinVar:

NM_000497.4(CYP11B1):c.890C>T (p.Ala297Val)

Genes: CYP11B1 (cytochrome P450 family 11 subfamily B member 1; minus strand), LOC106799833 (CYP11B1 recombination region; plus strand). Cytogenetic location: 8q24.3.
Variant type: single nucleotide variant.
Coding change: c.890C>T on transcript NM_000497.4 (MANE Select); coding-DNA position 890, C replaced by T.
Protein change: p.Ala297Val; replaces alanine 297 with valine.
Molecular consequence: missense variant.
Genome position (GRCh38, 1-based): chr8:142,876,305, G>A on the plus strand (C>T on the coding strand, the complement: CYP11B1 is on the minus strand). VCF-style: chr8-142876305-G-A. GRCh37 (hg19) VCF-style: chr8-143957721-G-A.
Other names: c.890C>T, p.Ala297Val (NM_001026213.1); short protein forms A297V.
Identifiers: ClinVar variation 1179123 (VCV001179123.2), dbSNP rs375892072, ClinGen allele CA4905269.

ClinVar aggregate classification (germline): Likely pathogenic (1 of 4 stars; one submission).

Conditions:
Deficiency of steroid 11-beta-monooxygenase (CYP11B1). Also called: Congenital adrenal hyperplasia due to 11-beta-hydroxylase deficiency; ADRENAL HYPERPLASIA, CONGENITAL, DUE TO STEROID 11-BETA-HYDROXYLASE DEFICIENCY; 11-BETA-HYDROXYLASE DEFICIENCY; ADRENAL HYPERPLASIA IV; P450C11B1 DEFICIENCY; STEROID 11-BETA-HYDROXYLASE DEFICIENCY. Identifiers: Orphanet 90795, MedGen C0268292, MONDO:0008729, OMIM 202010. Disease mechanism: loss of function.
Glucocorticoid-remediable aldosteronism. Also called: ACTH-DEPENDENT HYPERALDOSTERONISM SYNDROME; ALDOSTERONISM, SENSITIVE TO DEXAMETHASONE; Hyperaldosteronism, familial, type I; FH I; GLUCOCORTICOID-SUPPRESSIBLE HYPERALDOSTERONISM. Identifiers: Orphanet 403, MedGen C3838731, MONDO:0007080, OMIM 103900.

Allele frequency attached by ClinVar (database versions not stated): ExAC 0.00001; gnomAD exomes 0.00002; TOPMed 0.00002; gnomAD 0.00003; ESP Exome Variant Server 0.00008.
gnomAD v4.1: 70 of 1,614,104 alleles (0.0043%); highest among the groups gnomAD compares: Non-Finnish European, 0.0052%; no homozygotes.

Submission:

Fulgent Genetics
Classification: Likely pathogenic for Glucocorticoid-remediable aldosteronism; Deficiency of steroid 11-beta-monooxygenase. Last evaluated: 2021-06-30. Review status: criteria provided, single submitter. Criteria: ACMG Guidelines, 2015. Collection method: clinical testing. Allele origin: unknown.
Comment: This variant has been detected in individual(s) who were sent for testing of Renasight - kidney gene panel.